The following is an entry in ClinVar:

ClinVar aggregate classification (germline): Benign/Likely benign. Review status: criteria provided, multiple submitters, no conflicts (2 of 4 stars). 3 submissions from 3 submitters: Benign (1); Likely benign (2). Last evaluated 2025-12-16.

Conditions:
Renal cell carcinoma. Identifiers: Orphanet 217071, MedGen C0007134, MeSH D002292, MONDO:0005086, HP:0005584.
Papillary renal cell carcinoma type 1 (RCCP1). Also called: RENAL CELL CARCINOMA, PAPILLARY, 1, SOMATIC; Renal adenocarcinoma; Renal cell carcinoma 1; Renal cell carcinoma, somatic. Identifiers: Orphanet 47044, MedGen C1336839, OMIM 605074, HP:0011797.
Hereditary cancer-predisposing syndrome. Also called: Tumor predisposition; Neoplastic Syndromes, Hereditary; Hereditary Cancer Syndrome; Hereditary neoplastic syndrome. Identifiers: Orphanet 140162, MedGen C0027672, MeSH D009386, MONDO:0015356.

Submissions (3):

Labcorp Genetics (formerly Invitae), Labcorp
Classification: Likely benign for Renal cell carcinoma. Last evaluated: 2025-12-16. Review status: criteria provided, single submitter. Criteria: Invitae Variant Classification Sherloc (09022015). Collection method: clinical testing. Allele origin: germline.

Myriad Genetics, Inc.
Classification: Benign for Papillary renal cell carcinoma type 1. Last evaluated: 2024-11-07. Review status: criteria provided, single submitter. Criteria: Myriad Autosomal Dominant, Autosomal Recessive and X-Linked Classification Criteria (2023). Collection method: clinical testing. Allele origin: unknown.
Comment: This variant is considered benign. This variant is a silent/synonymous amino acid change and it is not expected to impact splicing.

Ambry Genetics
Classification: Likely benign for Hereditary cancer-predisposing syndrome. Last evaluated: 2020-06-25. Review status: criteria provided, single submitter. Criteria: Ambry Variant Classification Scheme 2023. Collection method: clinical testing. Allele origin: germline.

NM_000245.4(MET):c.987T>G (p.Leu329=)

Gene: MET (MET proto-oncogene, receptor tyrosine kinase; plus strand). Cytogenetic location: 7q31.2.
Variant type: single nucleotide variant.
Coding change: c.987T>G on transcript NM_000245.4 (MANE Select); coding-DNA position 987, T replaced by G.
Protein change: p.Leu329=; no amino-acid change (leucine 329 retained).
Molecular consequence: synonymous variant. On other transcripts: intron variant (1).
Genome position (GRCh38, 1-based): chr7:116,700,071, T>G. VCF-style: chr7-116700071-T-G. GRCh37 (hg19) VCF-style: chr7-116340125-T-G.
Other names: c.987T>G, p.Leu329= (NM_001127500.3, NM_001324401.3); c.-91+27494T>G (NM_001324402.2).
Identifiers: ClinVar variation 1102992 (VCV001102992.12), dbSNP rs921189227, ClinGen allele CA164889286.
Genomic context (GRCh38, chr7:116,700,071, plus strand): 5'-AAAGAAGGAAGTGTTTAATATACTTCAGGCTGCGTATGTCAGCAAGCCTGGGGCCCAGCT[T>G]GCTAGACAAATAGGAGCCAGCCTGAATGATGACATTCTTTTCGGGGTGTTCGCACAAAGC-3'
Protein context (NP_000236.2, residues 319-339): AAYVSKPGAQ[Leu329=]ARQIGASLND